The following is an entry in ClinVar:

ClinVar aggregate classification (germline): Likely benign. Review status: criteria provided, multiple submitters, no conflicts (2 of 4 stars). 2 submissions from 2 submitters: Likely benign (2). Last evaluated 2024-03-01.

Conditions:
Neonatal-onset encephalopathy with rigidity and seizures. Also called: Lethal neonatal spasticity-epileptic encephalopathy syndrome. Identifiers: Orphanet 435845, MedGen C3281029, MONDO:0013784, OMIM 614498.

Allele frequency attached by ClinVar (database versions not stated): gnomAD exomes 0.00001 and 0.00002; ExAC 0.00003.
gnomAD v4.1: 7 of 1,612,886 alleles (0.00043%); highest among the groups gnomAD compares: Non-Finnish European, 0.00059%; no homozygotes.

Submissions (2):

CeGaT Center for Human Genetics Tuebingen
Classification: Likely benign. Last evaluated: 2024-03-01. Review status: criteria provided, single submitter. Criteria: CeGaT Center For Human Genetics Tuebingen Variant Classification Criteria Version 2. Collection method: clinical testing. Allele origin: germline. Affected: yes. Observed: 1 variant allele.
Comment: BRAT1: BP4, BP7

Labcorp Genetics (formerly Invitae), Labcorp
Classification: Likely benign for Neonatal-onset encephalopathy with rigidity and seizures. Last evaluated: 2023-12-21. Review status: criteria provided, single submitter. Criteria: Invitae Variant Classification Sherloc (09022015). Collection method: clinical testing. Allele origin: germline.

NM_152743.4(BRAT1):c.2226C>T (p.Ser742=)

Gene: BRAT1 (BRCA1 associated ATM activator 1; minus strand). Cytogenetic location: 7p22.3.
Variant type: single nucleotide variant.
Coding change: c.2226C>T on transcript NM_152743.4 (MANE Select); coding-DNA position 2226, C replaced by T.
Protein change: p.Ser742=; no amino-acid change (serine 742 retained).
Molecular consequence: synonymous variant. On other transcripts: non-coding transcript variant (1).
Genome position (GRCh38, 1-based): chr7:2,538,309, G>A on the plus strand (C>T on the coding strand, the complement: BRAT1 is on the minus strand). VCF-style: chr7-2538309-G-A. GRCh37 (hg19) VCF-style: chr7-2577943-G-A.
Other names: c.2406C>T, p.Ser802= (NM_001350626.2); c.1701C>T, p.Ser567= (NM_001350627.2).
Identifiers: ClinVar variation 1539054 (VCV001539054.29), dbSNP rs746172037, ClinGen allele CA4127426.